The following is an entry in ClinVar:

ClinVar aggregate classification (germline): Likely benign (0 of 4 stars; one submission).

Conditions:
UNC79-related disorder. Also called: UNC79-related condition.

Allele frequency attached by ClinVar (database versions not stated): 1000 Genomes Project 0.00140; 1000 Genomes Project 30x 0.00156.
gnomAD v4.1: 179 of 1,536,078 alleles (0.012%); highest among the groups gnomAD compares: African/African-American, 0.2%; no homozygotes.

Submission:

PreventionGenetics, part of Exact Sciences
Classification: Likely benign for UNC79-related condition. Last evaluated: 2022-06-01. Review status: no assertion criteria provided. Collection method: clinical testing. Allele origin: germline.
Comment: This variant is classified as likely benign based on ACMG/AMP sequence variant interpretation guidelines (Richards et al. 2015 PMID: 25741868, with internal and published modifications).

NM_001395159.1(UNC79):c.328C>A (p.Arg110Ser)

Gene: UNC79 (unc-79 homolog, NALCN channel complex subunit; plus strand). Cytogenetic location: 14q32.12.
Variant type: single nucleotide variant.
Coding change: c.328C>A on transcript NM_001395159.1 (MANE Select); coding-DNA position 328, C replaced by A.
Protein change: p.Arg110Ser; replaces arginine 110 with serine.
Molecular consequence: missense variant. On other transcripts: 5 prime UTR variant (1).
Genome position (GRCh38, 1-based): chr14:93,474,273, C>A. VCF-style: chr14-93474273-C-A. GRCh37 (hg19) VCF-style: chr14-93940619-C-A.
Other names: c.328C>A, p.Arg110Ser (NM_001346218.2); c.-204C>A (NM_020818.5); short protein forms R110S.
Identifiers: ClinVar variation 3054025 (VCV003054025.2), dbSNP rs142898171, ClinGen allele CA7321156.